The following is an entry in ClinVar:

ClinVar aggregate classification (germline): Uncertain significance. Review status: criteria provided, multiple submitters, no conflicts (2 of 4 stars). 3 submissions from 3 submitters: Uncertain significance (3). Last evaluated 2026-06-18.

Conditions:
CDHR1-related disorder. Also called: CDHR1-related condition.
Inborn genetic diseases. Identifiers: MedGen C0950123, MeSH D030342.

Allele frequency attached by ClinVar (database versions not stated): gnomAD 0.00002; ExAC 0.00003; TOPMed 0.00005.
gnomAD v4.1: 16 of 1,613,530 alleles (0.00099%); highest among the groups gnomAD compares: African/African-American, 0.0067%; no homozygotes.

Submissions (3):

PreventionGenetics, part of Exact Sciences
Classification: Uncertain significance for CDHR1-related condition. Last evaluated: 2026-06-18. Review status: criteria provided, single submitter. Criteria: ACMG Guidelines, 2015. Collection method: clinical testing. Allele origin: germline.
Comment: The CDHR1 c.2375C>T variant is predicted to result in the amino acid substitution p.Pro792Leu. To our knowledge, this variant has not been reported in the literature. This variant is reported in 0.018% of alleles in individuals of African descent in gnomAD. At this time, the clinical significance of this variant is uncertain due to the absence of conclusive functional and genetic evidence.

Labcorp Genetics (formerly Invitae), Labcorp
Classification: Uncertain significance. Last evaluated: 2023-12-07. Review status: criteria provided, single submitter. Criteria: Invitae Variant Classification Sherloc (09022015). Collection method: clinical testing. Allele origin: germline.
Comment: This sequence change replaces proline, which is neutral and non-polar, with leucine, which is neutral and non-polar, at codon 792 of the CDHR1 protein (p.Pro792Leu). This variant is present in population databases (rs753211525, gnomAD 0.02%). This variant has not been reported in the literature in individuals affected with CDHR1-related conditions. ClinVar contains an entry for this variant (Variation ID: 2335337). Advanced modeling of protein sequence and biophysical properties (such as structural, functional, and spatial information, amino acid conservation, physicochemical variation, residue mobility, and thermodynamic stability) performed at Invitae indicates that this missense variant is not expected to disrupt CDHR1 protein function with a negative predictive value of 95%. In summary, the available evidence is currently insufficient to determine the role of this variant in disease. Therefore, it has been classified as a Variant of Uncertain Significance.

Ambry Genetics
Classification: Uncertain significance for Inborn genetic diseases. Last evaluated: 2022-12-15. Review status: criteria provided, single submitter. Criteria: Ambry Variant Classification Scheme 2023. Collection method: clinical testing. Allele origin: germline.

NM_033100.4(CDHR1):c.2375C>T (p.Pro792Leu)

Gene: CDHR1 (cadherin related family member 1; plus strand). Cytogenetic location: 10q23.1.
Variant type: single nucleotide variant.
Coding change: c.2375C>T on transcript NM_033100.4 (MANE Select); coding-DNA position 2375, C replaced by T.
Protein change: p.Pro792Leu; replaces proline 792 with leucine.
Molecular consequence: missense variant. On other transcripts: intron variant (1).
Genome position (GRCh38, 1-based): chr10:84,214,416, C>T. VCF-style: chr10-84214416-C-T. GRCh37 (hg19) VCF-style: chr10-85974172-C-T.
Other names: c.2040+1068C>T (NM_001171971.3); c.2375C>T (NM_033100.3); short protein forms P792L.
Identifiers: ClinVar variation 2335337 (VCV002335337.4), dbSNP rs753211525, ClinGen allele CA5580207.
Genomic context (GRCh38, chr10:84,214,416, plus strand): 5'-AACCTCCCAATGAGAACTGTAACAACAACAGCCCAGAAAGCTCTCTGCTCCCGAGAGCTC[C>T]GGCTCTCCCTCCACCACCCAGCGTGGCGCCCAGCACTGGCGCAGCCCAGTGGACCGTGCC-3'
Protein context (NP_149091.1, residues 782-802): SPESSLLPRA[Pro792Leu]ALPPPPSVAP